The following is an entry in ClinVar:

ClinVar aggregate classification (germline): Uncertain significance (1 of 4 stars; one submission).

Submission:

GeneDx
Classification: Uncertain significance. Last evaluated: 2024-06-27. Review status: criteria provided, single submitter. Criteria: GeneDx Variant Classification Process June 2021. Collection method: clinical testing. Allele origin: germline. Affected: yes.
Comment: Not observed at significant frequency in large population cohorts (gnomAD); In silico analysis indicates that this missense variant does not alter protein structure/function; Has not been previously published as pathogenic or benign to our knowledge

NM_003107.3(SOX4):c.535G>A (p.Gly179Arg)

Gene: SOX4 (SRY-box transcription factor 4; plus strand). Cytogenetic location: 6p22.3.
Variant type: single nucleotide variant.
Coding change: c.535G>A on transcript NM_003107.3 (MANE Select); coding-DNA position 535, G replaced by A.
Protein change: p.Gly179Arg; replaces glycine 179 with arginine.
Molecular consequence: missense variant.
Genome position (GRCh38, 1-based): chr6:21,595,069, G>A. VCF-style: chr6-21595069-G-A. GRCh37 (hg19) VCF-style: chr6-21595300-G-A.
Other names: short protein forms G179R.
Identifiers: ClinVar variation 3392896 (VCV003392896.1).